The following is an entry in ClinVar:

ClinVar aggregate classification (germline): Likely benign (1 of 4 stars; one submission).

Submission:

Women's Health and Genetics/Laboratory Corporation of America, LabCorp
Classification: Likely benign. Last evaluated: 2019-11-21. Review status: criteria provided, single submitter. Criteria: LabCorp Variant Classification Summary - May 2015. Collection method: clinical testing. Allele origin: germline.
Comment: Variant summary: ANK2 c.11032+17_11032+18dupGT alters a nucleotide located close to a canonical splice site and therefore could affect mRNA splicing, leading to a significantly altered protein sequence. 5/5 computational tools predict no significant impact on normal splicing. However, these predictions have yet to be confirmed by functional studies. The variant is located in a very polymorphic TG region. The variant allele was found at a frequency of 4.1e-06 in 242948 control chromosomes (gnomAD). The available data on variant occurrences in the general population are insufficient to allow any conclusion about variant significance. To our knowledge, no occurrence of c.11032+17_11032+18dupGT in individuals affected with Arrhythmia and no experimental evidence demonstrating its impact on protein function have been reported. A co-occurrence with another pathogenic variant has been reported (KCNQ1 c.1588C>T, p.Gln530X), providing supporting evidence for a benign role. No clinical diagnostic laboratories have submitted clinical-significance assessments for this variant to ClinVar after 2014. Based on the evidence outlined above, the variant was classified as likely benign.

NM_001148.6(ANK2):c.11032+8TG[6]

Gene: ANK2 (ankyrin 2; plus strand). Cytogenetic location: 4q26.
Variant type: Microsatellite.
Coding change: c.11032+8TG[6] on transcript NM_001148.6 (MANE Select); six copies in a row of the 2-base unit TG starting at c.11032+8.
Molecular consequence: intron variant.
Genome position: GRCh38 VCF-style: chr4-113365189-C-CTG. GRCh37 (hg19) VCF-style: chr4-114286345-C-CTG.
Other names: c.4762+8TG[6] (NM_001386186.2, NM_001386148.2); c.4564+8TG[6] (NM_001354269.3); c.4642+8TG[6] (NM_001386187.2); c.4603+8TG[6] (NM_001386147.1); c.4621+8TG[6] (NM_001386160.1); c.4726+8TG[6] (NM_001354254.2); c.4747+8TG[6] (NM_001354239.2, NM_001354252.2); c.4648+8TG[6] (NM_001354272.2); and 35 more.
Identifiers: ClinVar variation 928630 (VCV000928630.1), dbSNP rs749676836, ClinGen allele CA3052182.